The following is an entry in ClinVar:

ClinVar aggregate classification (germline): Pathogenic/Likely pathogenic. Review status: criteria provided, multiple submitters, no conflicts (2 of 4 stars). 2 submissions from 2 submitters: Pathogenic (1); Likely pathogenic (1). Last evaluated 2022-05-27.

Submissions (2):

Clinical Genetics Laboratory, Skane University Hospital Lund
Classification: Pathogenic. Last evaluated: 2022-05-27. Review status: criteria provided, single submitter. Criteria: ACMG Guidelines, 2015. Collection method: clinical testing. Allele origin: germline. Affected: yes.

Labcorp Genetics (formerly Invitae), Labcorp
Classification: Likely pathogenic. Last evaluated: 2019-10-03. Review status: criteria provided, single submitter. Criteria: Invitae Variant Classification Sherloc (09022015). Collection method: clinical testing. Allele origin: germline.
Comment: This variant results in the duplication of exons 44-47 and part of exon 48 (c.3883-2068_4310dup) of the COL4A3 gene. While the exact position of this variant cannot be determined from this data, sub-genic copy number gains are generally in tandem (PMID: 25640679) and may result in an absent or disrupted protein product. A similar duplication has been reported in the literature in an individual with COL4A3-related conditions (PMID: 24854265). Loss-of-function variants in COL4A3 are known to be pathogenic (PMID: 8956999, 24854265, 26809805, 27281700). In summary, the currently available evidence indicates that the variant is pathogenic, but additional data are needed to prove that conclusively. Therefore, this variant has been classified as Likely Pathogenic.

Literature cited by the submitters: PubMed 24854265 (cited by Labcorp Genetics (formerly Invitae), Labcorp).

NM_000091.5(COL4A3):c.3883-2067_4311dup

Genes: COL4A3 (collagen type IV alpha 3 chain; plus strand), MFF-DT (MFF divergent transcript; minus strand). Cytogenetic location: 2q36.3.
Variant type: Duplication.
Coding change: c.3883-2067_4311dup on transcript NM_000091.5 (MANE Select); 2067 bases into the intron before coding-DNA position 3883 through coding-DNA position 4311, 6,798 bases duplicated.
Molecular consequence: splice acceptor variant, splice donor variant.
Genome position (GRCh38, 1-based): chr2:227,300,971-227,307,768, 6,798 bases duplicated. GRCh37 (hg19): chr2:228,165,687-228,172,484.
Identifiers: ClinVar variation 961014 (VCV000961014.2).